The following is an entry in ClinVar:

ClinVar aggregate classification (germline): Uncertain significance (1 of 4 stars; one submission).

Conditions:
Neuronopathy, distal hereditary motor, type 7A. Also called: Neuronopathy, distal hereditary motor, type viia; NEURONOPATHY, DISTAL HEREDITARY MOTOR, HARDING TYPE VIIA; NEUROPATHY, DISTAL HEREDITARY MOTOR, HARDING TYPE VIIA; Neuronopathy, distal hereditary motor, autosomal dominant 7; HARPER-YOUNG MYOPATHY; HMN VIIA. Identifiers: Orphanet 139589, MedGen C1834703, MONDO:0008024, OMIM 158580.
Congenital myasthenic syndrome 20. Also called: Myasthenic syndrome, congenital, 20, presynaptic. Identifiers: MedGen C4310694, MONDO:0014939, OMIM 617143.

Submission:

Labcorp Genetics (formerly Invitae), Labcorp
Classification: Uncertain significance for Neuronopathy, distal hereditary motor, type 7A; Congenital myasthenic syndrome 20. Last evaluated: 2024-01-22. Review status: criteria provided, single submitter. Criteria: Invitae Variant Classification Sherloc (09022015). Collection method: clinical testing. Allele origin: germline.
Comment: This sequence change replaces valine, which is neutral and non-polar, with alanine, which is neutral and non-polar, at codon 440 of the SLC5A7 protein (p.Val440Ala). This variant is not present in population databases (gnomAD no frequency). This variant has not been reported in the literature in individuals affected with SLC5A7-related conditions. ClinVar contains an entry for this variant (Variation ID: 578654). Advanced modeling of protein sequence and biophysical properties (such as structural, functional, and spatial information, amino acid conservation, physicochemical variation, residue mobility, and thermodynamic stability) performed at Invitae indicates that this missense variant is not expected to disrupt SLC5A7 protein function with a negative predictive value of 80%. In summary, the available evidence is currently insufficient to determine the role of this variant in disease. Therefore, it has been classified as a Variant of Uncertain Significance.

NM_021815.5(SLC5A7):c.1319T>C (p.Val440Ala)

Gene: SLC5A7 (solute carrier family 5 member 7; plus strand). Cytogenetic location: 2q12.3.
Variant type: single nucleotide variant.
Coding change: c.1319T>C on transcript NM_021815.5 (MANE Select); coding-DNA position 1319, T replaced by C.
Protein change: p.Val440Ala; replaces valine 440 with alanine.
Molecular consequence: missense variant.
Genome position (GRCh38, 1-based): chr2:108,010,437, T>C. VCF-style: chr2-108010437-T-C. GRCh37 (hg19) VCF-style: chr2-108626893-T-C.
Other names: c.1319T>C, p.Val440Ala (NM_001305005.3); c.1004T>C, p.Val335Ala (NM_001305006.3); c.578T>C, p.Val193Ala (NM_001305007.3); short protein forms V440A, V193A, V335A.
Identifiers: ClinVar variation 578654 (VCV000578654.6), dbSNP rs1446985615, ClinGen allele CA348114316.
Genomic context (GRCh38, chr2:108,010,437, plus strand): 5'-AGCTGCTTTGTGTACTCTTTGTTAAGGGAACCAACACCTATGGGGCCGTGGCAGGTTATG[T>C]TTCTGGCCTCTTCCTGAGAATAACTGGAGGGGAGCCATATCTGTATCTTCAGCCCTTGAT-3'
Protein context (NP_068587.1, residues 430-450): TNTYGAVAGY[Val440Ala]SGLFLRITGG